The following is an entry in ClinVar:

NM_022489.4(INF2):c.312C>G (p.Cys104Trp)

Gene: INF2 (inverted formin 2; plus strand). Cytogenetic location: 14q32.33.
Variant type: single nucleotide variant.
Coding change: c.312C>G on transcript NM_022489.4 (MANE Select); coding-DNA position 312, C replaced by G.
Protein change: p.Cys104Trp; replaces cysteine 104 with tryptophan.
Molecular consequence: missense variant.
Genome position (GRCh38, 1-based): chr14:104,701,677, C>G. VCF-style: chr14-104701677-C-G. GRCh37 (hg19) VCF-style: chr14-105168014-C-G.
Other names: c.312C>G, p.Cys104Trp (NM_001031714.4, NM_032714.3); short protein forms C104W.
Identifiers: ClinVar variation 30866 (VCV000030866.11), dbSNP rs387907036, ClinGen allele CA129511.

ClinVar aggregate classification (germline): Pathogenic. Review status: criteria provided, single submitter (1 of 4 stars). 2 submissions from 2 submitters: Pathogenic (1). 1 of the submissions does not count toward it. Last evaluated 2022-01-14.

Conditions:
Charcot-Marie-Tooth disease dominant intermediate E. Also called: CHARCOT-MARIE-TOOTH NEUROPATHY WITH FOCAL SEGMENTAL GLOMERULONEPHRITIS. Identifiers: Orphanet 93114, MedGen C4302667, MONDO:0013758, OMIM 614455.
Focal segmental glomerulosclerosis 5 (FSGS5). Identifiers: Orphanet 656, MedGen C2750475, MONDO:0013191, OMIM 613237.

Submissions (2):

Labcorp Genetics (formerly Invitae), Labcorp
Classification: Pathogenic for Charcot-Marie-Tooth disease dominant intermediate E; Focal segmental glomerulosclerosis 5. Last evaluated: 2022-01-14. Review status: criteria provided, single submitter. Criteria: Invitae Variant Classification Sherloc (09022015). Collection method: clinical testing. Allele origin: germline.
Comment: This sequence change replaces cysteine, which is neutral and slightly polar, with tryptophan, which is neutral and slightly polar, at codon 104 of the INF2 protein (p.Cys104Trp). This variant is not present in population databases (gnomAD no frequency). This missense change has been observed in individuals with clinical features of Charcot-Marie-Tooth disease and Charcot-Marie-Tooth disease and focal segmental glomerulosclerosis (PMID: 22187985, 29653220; Invitae). It has also been observed to segregate with disease in related individuals. ClinVar contains an entry for this variant (Variation ID: 30866). Advanced modeling of protein sequence and biophysical properties (such as structural, functional, and spatial information, amino acid conservation, physicochemical variation, residue mobility, and thermodynamic stability) performed at Invitae indicates that this missense variant is expected to disrupt INF2 protein function. This variant disrupts the p.Cys104 amino acid residue in INF2. Other variant(s) that disrupt this residue have been observed in individuals with INF2-related conditions (PMID: 22187985, 30373780), which suggests that this may be a clinically significant amino acid residue. For these reasons, this variant has been classified as Pathogenic.

OMIM
Classification: Pathogenic for CHARCOT-MARIE-TOOTH DISEASE, DOMINANT INTERMEDIATE E. Last evaluated: 2011-12-22. Review status: no assertion criteria provided. Collection method: literature only. Allele origin: germline. Not counted in ClinVar's aggregate classification.

Literature cited by the submitters: PubMed 22187985 (cited by Labcorp Genetics (formerly Invitae), Labcorp and OMIM); PubMed 29653220 (cited by Labcorp Genetics (formerly Invitae), Labcorp); PubMed 30373780 (cited by Labcorp Genetics (formerly Invitae), Labcorp); PubMed 6054293 (cited by OMIM).